The following is an entry in ClinVar:

NM_014795.4(ZEB2):c.234_235del (p.Leu79fs)

Gene: ZEB2 (zinc finger E-box binding homeobox 2; minus strand). Cytogenetic location: 2q22.3.
Variant type: Deletion.
Coding change: c.234_235del on transcript NM_014795.4 (MANE Select); coding-DNA positions 234 to 235, 2 bases deleted (GT; older notation c.234_235delGT).
Protein change: p.Leu79fs; shifts the reading frame from leucine 79.
Molecular consequence: frameshift variant.
Genome position (GRCh38, 1-based): chr2:144,429,865-144,429,866, AC deleted on the plus strand (GT on the coding strand, the reverse complement: ZEB2 is on the minus strand); deleting any 2 consecutive bases within chr2:144,429,865-144,429,867 gives the same sequence; the c. name uses the placement nearest the transcript's 3' end. VCF-style (leftmost placement, unchanged base first): chr2-144429864-AAC-A. GRCh37 (hg19) VCF-style: chr2-145187431-AAC-A.
Other names: c.234_235del, p.Leu79fs (NM_001171653.2); short protein forms L79fs.
Identifiers: ClinVar variation 534631 (VCV000534631.6), dbSNP rs1553964147, ClinGen allele CA658795853.

ClinVar aggregate classification (germline): Pathogenic (1 of 4 stars; one submission).

Conditions:
Mowat-Wilson syndrome (MOWS). Also called: Classic Mowat-Wilson Syndrome. Identifiers: Orphanet 2152, MedGen C1856113, MONDO:0009341, OMIM 235730.

Submission:

Labcorp Genetics (formerly Invitae), Labcorp
Classification: Pathogenic for Mowat-Wilson syndrome. Last evaluated: 2017-09-30. Review status: criteria provided, single submitter. Criteria: Invitae Variant Classification Sherloc (09022015). Collection method: clinical testing. Allele origin: germline.
Comment: This variant has not been reported in the literature in individuals with ZEB2-related disease. This sequence change creates a premature translational stop signal (p.Leu79Alafs*8) in the ZEB2 gene. It is expected to result in an absent or disrupted protein product. This variant is not present in population databases (ExAC no frequency). Loss-of-function variants in ZEB2 are known to be pathogenic (PMID: 16053902). For these reasons, this variant has been classified as Pathogenic.

Literature cited by the submitters: PubMed 16053902.